The following is an entry in ClinVar:

ClinVar aggregate classification (germline): Uncertain significance (1 of 4 stars; one submission).

Allele frequency attached by ClinVar (database versions not stated): gnomAD exomes below 0.00001 and 0.00001; TOPMed below 0.00001; gnomAD 0.00001.
gnomAD v4.1: 8 of 1,611,366 alleles (0.0005%); highest among the groups gnomAD compares: South Asian, 0.0022%; no homozygotes.

Submission:

Labcorp Genetics (formerly Invitae), Labcorp
Classification: Uncertain significance. Last evaluated: 2022-03-10. Review status: criteria provided, single submitter. Criteria: Invitae Variant Classification Sherloc (09022015). Collection method: clinical testing. Allele origin: germline.
Comment: This sequence change replaces lysine, which is basic and polar, with glutamic acid, which is acidic and polar, at codon 1501 of the TUBGCP6 protein (p.Lys1501Glu). This variant is present in population databases (no rsID available, gnomAD 0.0009%). This variant has not been reported in the literature in individuals affected with TUBGCP6-related conditions. ClinVar contains an entry for this variant (Variation ID: 1054888). Algorithms developed to predict the effect of missense changes on protein structure and function are either unavailable or do not agree on the potential impact of this missense change (SIFT: "Tolerated"; PolyPhen-2: "Possibly Damaging"; Align-GVGD: "Class C0"). In summary, the available evidence is currently insufficient to determine the role of this variant in disease. Therefore, it has been classified as a Variant of Uncertain Significance.

NM_020461.4(TUBGCP6):c.4501A>G (p.Lys1501Glu)

Gene: TUBGCP6 (tubulin gamma complex component 6; minus strand). Cytogenetic location: 22q13.33.
Variant type: single nucleotide variant.
Coding change: c.4501A>G on transcript NM_020461.4 (MANE Select); coding-DNA position 4501, A replaced by G.
Protein change: p.Lys1501Glu; replaces lysine 1501 with glutamic acid.
Molecular consequence: missense variant.
Genome position (GRCh38, 1-based): chr22:50,219,193, T>C on the plus strand (A>G on the coding strand, the complement: TUBGCP6 is on the minus strand). VCF-style: chr22-50219193-T-C. GRCh37 (hg19) VCF-style: chr22-50657622-T-C.
Other names: short protein forms K1501E.
Identifiers: ClinVar variation 1054888 (VCV001054888.6), dbSNP rs1255977287, ClinGen allele CA412170721.